The following is an entry in ClinVar:

NM_006206.6(PDGFRA):c.*691G>A

Gene: PDGFRA (platelet derived growth factor receptor alpha; plus strand). Cytogenetic location: 4q12.
Variant type: single nucleotide variant.
Coding change: c.*691G>A on transcript NM_006206.6 (MANE Select); 691 bases downstream of the stop codon, G replaced by A.
Molecular consequence: 3 prime UTR variant.
Genome position (GRCh38, 1-based): chr4:54,295,963, G>A. VCF-style: chr4-54295963-G-A. GRCh37 (hg19) VCF-style: chr4-55162130-G-A.
Other names: c.*691G>A (NM_001347828.2, NM_001347829.2, NM_001347830.2).
Identifiers: ClinVar variation 902495 (VCV000902495.4), dbSNP rs117287047, ClinGen allele CA96833779.
Genomic context (GRCh38, chr4:54,295,963, plus strand): 5'-CATTTTCATATTGTAATCTATGTTTATAATACTACTACTGTTATCAGTAATGCTAAATGT[G>A]TAATAATGTAACATGATTTCCCTCCAGAGAAAGCACAATTTAAAACAATCCTTACTAAGT-3'

ClinVar aggregate classification (germline): Benign. Review status: criteria provided, single submitter (1 of 4 stars). 2 submissions from 1 submitter: Benign (2). Last evaluated 2017-10-22.

Conditions:
Idiopathic hypereosinophilic syndrome (HES). Identifiers: Orphanet 3260, MedGen C0206141, MONDO:0011895, OMIM 607685. Disease mechanism: gain of function.
Gastrointestinal stromal tumor. Also called: Gastrointestinal stroma tumor; Gastrointestinal stromal tumor, somatic. Identifiers: Orphanet 44890, MedGen C0238198, MeSH D046152, MONDO:0011719, OMIM 606764, HP:0100723.

Allele frequency attached by ClinVar (database versions not stated): gnomAD 0.00020 and 0.00027; TOPMed 0.00045; gnomAD exomes 0.00079; 1000 Genomes Project 30x 0.00094; 1000 Genomes Project 0.00100.
gnomAD v4.1: 99 of 232,828 alleles (0.043%); highest among the groups gnomAD compares: East Asian, 0.6%; 1 homozygote.

Submissions (2):

Illumina Laboratory Services, Illumina
Classification: Benign for Gastrointestinal stromal tumor. Last evaluated: 2017-10-22. Review status: criteria provided, single submitter. Criteria: ICSL Variant Classification Criteria 13 December 2019. Collection method: clinical testing. Allele origin: germline.
Comment: This variant was observed as part of a predisposition screen in an ostensibly healthy population. A literature search was performed for the gene, cDNA change, and amino acid change (where applicable). No publications were found based on this search. Allele frequency data from public databases was too high to be consistent with this variant causing disease. Therefore, this variant is classified as benign.

Illumina Laboratory Services, Illumina
Classification: Benign for Idiopathic hypereosinophilic syndrome. Last evaluated: 2017-10-22. Review status: criteria provided, single submitter. Criteria: ICSL Variant Classification Criteria 13 December 2019. Collection method: clinical testing. Allele origin: germline.
Comment: the same text as in the submission from Illumina Laboratory Services, Illumina above.